The following is an entry in ClinVar:

ClinVar aggregate classification (germline): Uncertain significance (1 of 4 stars; one submission).

gnomAD v4.1: 1 of 1,566,382 alleles (0.000064%); highest among the groups gnomAD compares: Non-Finnish European, 0.000086%; no homozygotes.

Submission:

Labcorp Genetics (formerly Invitae), Labcorp
Classification: Uncertain significance. Last evaluated: 2022-04-30. Review status: criteria provided, single submitter. Criteria: Invitae Variant Classification Sherloc (09022015). Collection method: clinical testing. Allele origin: germline.
Comment: This sequence change replaces methionine, which is neutral and non-polar, with leucine, which is neutral and non-polar, at codon 348 of the MYLK3 protein (p.Met348Leu). This variant is not present in population databases (gnomAD no frequency). This variant has not been reported in the literature in individuals affected with MYLK3-related conditions. Algorithms developed to predict the effect of missense changes on protein structure and function output the following: SIFT: "Tolerated"; PolyPhen-2: "Benign"; Align-GVGD: "Class C0". The leucine amino acid residue is found in multiple mammalian species, which suggests that this missense change does not adversely affect protein function. In summary, the available evidence is currently insufficient to determine the role of this variant in disease. Therefore, it has been classified as a Variant of Uncertain Significance.

NM_182493.3(MYLK3):c.1042A>T (p.Met348Leu)

Gene: MYLK3 (myosin light chain kinase 3; minus strand). Cytogenetic location: 16q11.2.
Variant type: single nucleotide variant.
Coding change: c.1042A>T on transcript NM_182493.3 (MANE Select); coding-DNA position 1042, A replaced by T.
Protein change: p.Met348Leu; replaces methionine 348 with leucine.
Molecular consequence: missense variant.
Genome position (GRCh38, 1-based): chr16:46,732,628, T>A on the plus strand (A>T on the coding strand, the complement: MYLK3 is on the minus strand). VCF-style: chr16-46732628-T-A. GRCh37 (hg19) VCF-style: chr16-46766540-T-A.
Other names: c.19A>T, p.Met7Leu (NM_001308301.1); short protein forms M348L, M7L.
Identifiers: ClinVar variation 1967685 (VCV001967685.5), dbSNP rs140405555, ClinGen allele CA395793141.